The following is an entry in ClinVar:

NM_007254.4(PNKP):c.1189-22_1189-19del

Gene: PNKP (polynucleotide kinase 3'-phosphatase; minus strand). Cytogenetic location: 19q13.33.
Variant type: Deletion.
Coding change: c.1189-22_1189-19del on transcript NM_007254.4 (MANE Select); 22 bases into the intron before coding-DNA position 1189 through 19 bases into the intron before coding-DNA position 1189, 4 bases deleted (TTGT; older notation c.1189-22_1189-19delTTGT).
Molecular consequence: intron variant.
Genome position (GRCh38, 1-based): chr19:49,861,900-49,861,903, ACAA deleted on the plus strand (TTGT on the coding strand, the reverse complement: PNKP is on the minus strand); deleting any 4 consecutive bases within chr19:49,861,900-49,861,906 gives the same sequence; the c. name uses the placement nearest the transcript's 3' end. VCF-style (leftmost placement, unchanged base first): chr19-49861899-CACAA-C. GRCh37 (hg19) VCF-style: chr19-50365156-CACAA-C.
Other names: NC_000019.9:g.50365160_50365163del; c.1189-22_1189-19delTTGT (NM_007254.2); c.1189-25_1189-22del (NM_007254.4).
Identifiers: ClinVar variation 419445 (VCV000419445.11), dbSNP rs368832563, ClinGen allele CA9586522.

ClinVar aggregate classification (germline): Benign/Likely benign. Review status: criteria provided, multiple submitters, no conflicts (2 of 4 stars). 3 submissions from 3 submitters: Benign (2); Likely benign (1). Last evaluated 2026-02-03.

Conditions:
Developmental and epileptic encephalopathy, 12 (DEE12). Identifiers: MedGen C3150988, MONDO:0013389, OMIM 613722.

Submissions (5):

Labcorp Genetics (formerly Invitae), Labcorp
Classification: Benign for Developmental and epileptic encephalopathy, 12. Last evaluated: 2026-02-03. Review status: criteria provided, single submitter. Criteria: Invitae Variant Classification Sherloc (09022015). Collection method: clinical testing. Allele origin: germline.

Center for Pediatric Genomic Medicine, Children's Mercy Hospital and Clinics
Classification: Likely benign. Last evaluated: 2017-08-11. Review status: criteria provided, single submitter. Criteria: ACMG Guidelines, 2015. Collection method: clinical testing. Allele origin: germline.

GeneDx
Classification: Benign. Last evaluated: 2015-07-27. Review status: criteria provided, single submitter. Criteria: GeneDx Variant Classification (06012015). Collection method: clinical testing. Allele origin: germline. Affected: yes.
Comment: This variant is considered likely benign or benign based on one or more of the following criteria: it is a conservative change, it occurs at a poorly conserved position in the protein, it is predicted to be benign by multiple in silico algorithms, and/or has population frequency not consistent with disease.

Dr. Peter K. Rogan Lab, Western University
No classification provided (evidence only). Condition: Familial cancer of breast. Review status: no classification provided. Collection method: in vitro. Allele origin: not applicable. Functional consequence: skipped exon. Not counted in ClinVar's aggregate classification.

Dr. Peter K. Rogan Lab, Western University
No classification provided (evidence only). Condition: Nonpapillary renal cell carcinoma. Review status: no classification provided. Collection method: in vitro. Allele origin: not applicable. Functional consequence: skipped exon. Not counted in ClinVar's aggregate classification.